The following is an entry in ClinVar:

NM_015192.4(PLCB1):c.3447A>G (p.Glu1149=)

Gene: PLCB1 (phospholipase C beta 1; plus strand). Cytogenetic location: 20p12.3.
Variant type: single nucleotide variant.
Coding change: c.3447A>G on transcript NM_015192.4 (MANE Select); coding-DNA position 3447, A replaced by G.
Protein change: p.Glu1149=; no amino-acid change (glutamic acid 1149 retained).
Molecular consequence: synonymous variant. On other transcripts: 3 prime UTR variant (1).
Genome position (GRCh38, 1-based): chr20:8,881,645, A>G. VCF-style: chr20-8881645-A-G. GRCh37 (hg19) VCF-style: chr20-8862292-A-G.
Other names: c.*43A>G (NM_182734.3).
Identifiers: ClinVar variation 897025 (VCV000897025.36), dbSNP rs142432676, ClinGen allele CA9760628.

ClinVar aggregate classification (germline): Conflicting classifications of pathogenicity. Review status: criteria provided, conflicting classifications (1 of 4 stars). 3 submissions from 3 submitters: Uncertain significance (1); Likely benign (2). Last evaluated 2025-09-03.

Conditions:
Developmental and epileptic encephalopathy, 12 (DEE12). Identifiers: MedGen C3150988, MONDO:0013389, OMIM 613722.

Allele frequency attached by ClinVar (database versions not stated): gnomAD exomes 0.00001; ExAC 0.00002; TOPMed 0.00002; ESP Exome Variant Server 0.00015.
gnomAD v4.1: 51 of 1,613,986 alleles (0.0032%); highest among the groups gnomAD compares: Non-Finnish European, 0.0037%; no homozygotes.

Submissions (3):

Labcorp Genetics (formerly Invitae), Labcorp
Classification: Likely benign for Developmental and epileptic encephalopathy, 12. Last evaluated: 2025-09-03. Review status: criteria provided, single submitter. Criteria: Invitae Variant Classification Sherloc (09022015). Collection method: clinical testing. Allele origin: germline.

CeGaT Center for Human Genetics Tuebingen
Classification: Likely benign. Last evaluated: 2023-11-01. Review status: criteria provided, single submitter. Criteria: CeGaT Center For Human Genetics Tuebingen Variant Classification Criteria Version 2. Collection method: clinical testing. Allele origin: germline. Affected: yes. Observed: 1 variant allele.
Comment: PLCB1: BP4, BP7

Illumina Laboratory Services, Illumina
Classification: Uncertain significance for Developmental and epileptic encephalopathy, 12. Last evaluated: 2017-04-27. Review status: criteria provided, single submitter. Criteria: ICSL Variant Classification Criteria 13 December 2019. Collection method: clinical testing. Allele origin: germline.